The following is an entry in ClinVar:

NM_024675.4(PALB2):c.3201+7A>G

Gene: PALB2 (partner and localizer of BRCA2; minus strand). Cytogenetic location: 16p12.2.
Variant type: single nucleotide variant.
Coding change: c.3201+7A>G on transcript NM_024675.4 (MANE Select); 7 bases into the intron after coding-DNA position 3201, A replaced by G.
Molecular consequence: intron variant.
Genome position (GRCh38, 1-based): chr16:23,613,997, T>C on the plus strand (A>G on the coding strand, the complement: PALB2 is on the minus strand). VCF-style: chr16-23613997-T-C. GRCh37 (hg19) VCF-style: chr16-23625318-T-C.
Other names: c.2228+7365A>G (NM_001407308.1, NM_001407309.1); c.2316+7A>G (NM_001407306.1, NM_001407311.1, NM_001407305.1 and 2 more transcripts); c.735+7A>G (NM_001407314.1); c.1413+7A>G (NM_001407313.1, NM_001407312.1); c.3141+7A>G (NM_001407296.1); c.3129+7A>G (NM_001407297.1); c.3039+7A>G (NM_001407302.1, NM_001407298.1); c.2922+7A>G (NM_001407300.1); and 3 more.
Identifiers: ClinVar variation 2733369 (VCV002733369.4), dbSNP rs2506264018, ClinGen allele CA2575946322.

ClinVar aggregate classification (germline): Likely benign. Review status: criteria provided, multiple submitters, no conflicts (2 of 4 stars). 2 submissions from 2 submitters: Likely benign (2). Last evaluated 2025-01-21.

Conditions:
Familial cancer of breast. Also called: BREAST CANCER, FAMILIAL; Hereditary breast cancer; hereditary breast carcinoma. Identifiers: Orphanet 227535, MedGen C0346153, MONDO:0016419, OMIM 114480. Disease mechanism: loss of function.

Submissions (2):

Myriad Genetics, Inc.
Classification: Likely benign for Familial cancer of breast. Last evaluated: 2025-01-21. Review status: criteria provided, single submitter. Criteria: Myriad Autosomal Dominant, Autosomal Recessive and X-Linked Classification Criteria (2023). Collection method: clinical testing. Allele origin: unknown.
Comment: This variant is considered likely benign. This variant is intronic and is not expected to impact mRNA splicing.

Labcorp Genetics (formerly Invitae), Labcorp
Classification: Likely benign for Familial cancer of breast. Last evaluated: 2024-06-21. Review status: criteria provided, single submitter. Criteria: Invitae Variant Classification Sherloc (09022015). Collection method: clinical testing. Allele origin: germline.